The following is an entry in ClinVar:

ClinVar aggregate classification (germline): Uncertain significance (1 of 4 stars; one submission).

Submission:

Labcorp Genetics (formerly Invitae), Labcorp
Classification: Uncertain significance. Last evaluated: 2025-02-24. Review status: criteria provided, single submitter. Criteria: Invitae Variant Classification Sherloc (09022015). Collection method: clinical testing. Allele origin: germline.
Comment: This sequence change replaces cysteine, which is neutral and slightly polar, with serine, which is neutral and polar, at codon 2282 of the SZT2 protein (p.Cys2282Ser). This variant is not present in population databases (gnomAD no frequency). This variant has not been reported in the literature in individuals affected with SZT2-related conditions. ClinVar contains an entry for this variant (Variation ID: 1013916). Invitae Evidence Modeling of protein sequence and biophysical properties (such as structural, functional, and spatial information, amino acid conservation, physicochemical variation, residue mobility, and thermodynamic stability) indicates that this missense variant is not expected to disrupt SZT2 protein function with a negative predictive value of 80%. In summary, the available evidence is currently insufficient to determine the role of this variant in disease. Therefore, it has been classified as a Variant of Uncertain Significance.

NM_001365999.1(SZT2):c.7016G>C (p.Cys2339Ser)

Gene: SZT2 (SZT2 subunit of KICSTOR complex; plus strand). Cytogenetic location: 1p34.2.
Variant type: single nucleotide variant.
Coding change: c.7016G>C on transcript NM_001365999.1 (MANE Select); coding-DNA position 7016, G replaced by C.
Protein change: p.Cys2339Ser; replaces cysteine 2339 with serine.
Molecular consequence: missense variant.
Genome position (GRCh38, 1-based): chr1:43,439,743, G>C. VCF-style: chr1-43439743-G-C. GRCh37 (hg19) VCF-style: chr1-43905414-G-C.
Other names: c.6845G>C, p.Cys2282Ser (NM_015284.4); short protein forms C2282S, C2339S.
Identifiers: ClinVar variation 1013916 (VCV001013916.8), dbSNP rs1414663562, ClinGen allele CA340032983.